The following is an entry in ClinVar:

ClinVar aggregate classification (germline): Benign. Review status: criteria provided, multiple submitters, no conflicts (2 of 4 stars). 2 submissions from 2 submitters: Benign (2). Last evaluated 2024-01-24.

Allele frequency attached by ClinVar (database versions not stated): 1000 Genomes Project 30x 0.22814; 1000 Genomes Project 0.22883; gnomAD 0.25681 and 0.25972; TOPMed 0.25993.
gnomAD v4.1: 223,510 of 748,988 alleles (30%); highest among the groups gnomAD compares: Admixed American, 46%; 36,380 homozygotes.

Submissions (2):

Unidad de Genómica Garrahan, Hospital de Pediatría Garrahan
Classification: Benign. Last evaluated: 2024-01-24. Review status: criteria provided, single submitter. Criteria: ACMG Guidelines, 2015. Collection method: clinical testing. Allele origin: germline. Affected: no. Observed: 19 variant alleles.
Comment: This variant is classified as Benign based on local population frequency. This variant was detected in 22% of patients studied by a panel of primary immunodeficiencies. Number of patients: 19. Only high quality variants are reported.

GeneDx
Classification: Benign. Last evaluated: 2018-07-02. Review status: criteria provided, single submitter. Criteria: GeneDx Variant Classification Process June 2021. Collection method: clinical testing. Allele origin: germline. Affected: yes.

NM_000733.4(CD3E):c.567+137G>A

Gene: CD3E (CD3 epsilon subunit of T-cell receptor complex; plus strand). Cytogenetic location: 11q23.3.
Variant type: single nucleotide variant.
Coding change: c.567+137G>A on transcript NM_000733.4 (MANE Select); 137 bases into the intron after coding-DNA position 567, G replaced by A.
Molecular consequence: intron variant.
Genome position (GRCh38, 1-based): chr11:118,314,631, G>A. VCF-style: chr11-118314631-G-A. GRCh37 (hg19) VCF-style: chr11-118185346-G-A.
Identifiers: ClinVar variation 1235448 (VCV001235448.5), dbSNP rs3819250, ClinGen allele CA13574703.